The following is an entry in ClinVar:

NM_000295.5(SERPINA1):c.43C>T (p.Leu15=)

Gene: SERPINA1 (serpin family A member 1; minus strand). Cytogenetic location: 14q32.13.
Variant type: single nucleotide variant.
Coding change: c.43C>T on transcript NM_000295.5 (MANE Select); coding-DNA position 43, C replaced by T.
Protein change: p.Leu15=; no amino-acid change (leucine 15 retained).
Molecular consequence: synonymous variant.
Genome position (GRCh38, 1-based): chr14:94,383,195, G>A on the plus strand (C>T on the coding strand, the complement: SERPINA1 is on the minus strand). VCF-style: chr14-94383195-G-A. GRCh37 (hg19) VCF-style: chr14-94849532-G-A.
Other names: c.43C>T, p.Leu15= (NM_001002235.3, NM_001002236.3, NM_001127700.2 and 7 more transcripts).
Identifiers: ClinVar variation 288096 (VCV000288096.39), dbSNP rs147283849, ClinGen allele CA7327563.

ClinVar aggregate classification (germline): Conflicting classifications of pathogenicity. Review status: criteria provided, conflicting classifications (1 of 4 stars). 8 submissions from 8 submitters: Uncertain significance (3); Likely benign (4). 1 of the submissions does not count toward it. Last evaluated 2026-02-01.

Conditions:
SERPINA1-related disorder. Also called: SERPINA1-related condition; SerpinA1-related disorders.
Inborn genetic diseases. Identifiers: MedGen C0950123, MeSH D030342.
Alpha-1-antitrypsin deficiency (A1ATD). Also called: Alpha1-Antitrypsin Deficiency; AAT deficiency; A1AT deficiency. Identifiers: Orphanet 60, MedGen C0221757, MONDO:0013282, OMIM 613490.

Allele frequency attached by ClinVar (database versions not stated): 1000 Genomes Project 0.00020; 1000 Genomes Project 30x 0.00031; gnomAD 0.00061 and 0.00064; ExAC 0.00071; TOPMed 0.00074; gnomAD exomes 0.00078 and 0.00112; ESP Exome Variant Server 0.00131.

Submissions (8):

CeGaT Center for Human Genetics Tuebingen
Classification: Likely benign. Last evaluated: 2026-02-01. Review status: criteria provided, single submitter. Criteria: CeGaT Center For Human Genetics Tuebingen Variant Classification Criteria Version 2. Collection method: clinical testing. Allele origin: germline. Affected: yes. Observed: 2 variant alleles.
Comment: SERPINA1: BP4, BS2

Labcorp Genetics (formerly Invitae), Labcorp
Classification: Likely benign for Alpha-1-antitrypsin deficiency. Last evaluated: 2026-01-31. Review status: criteria provided, single submitter. Criteria: Invitae Variant Classification Sherloc (09022015). Collection method: clinical testing. Allele origin: germline.

Blueprint Genetics
Classification: Likely benign. Last evaluated: 2024-09-03. Review status: criteria provided, single submitter. Criteria: ACMG Guidelines, 2015. Collection method: clinical testing. Allele origin: germline.

GeneDx
Classification: Uncertain significance. Last evaluated: 2024-03-27. Review status: criteria provided, single submitter. Criteria: GeneDx Variant Classification Process June 2021. Collection method: clinical testing. Allele origin: germline. Affected: yes.
Comment: In silico analysis supports that this variant does not alter splicing; Has not been previously published as pathogenic or benign to our knowledge

Ambry Genetics
Classification: Likely benign for Inborn genetic diseases. Last evaluated: 2022-12-04. Review status: criteria provided, single submitter. Criteria: Ambry Variant Classification Scheme 2023. Collection method: clinical testing. Allele origin: germline.

Illumina Laboratory Services, Illumina
Classification: Uncertain significance for Alpha-1-antitrypsin deficiency. Last evaluated: 2018-01-13. Review status: criteria provided, single submitter. Criteria: ICSL Variant Classification Criteria 13 December 2019. Collection method: clinical testing. Allele origin: germline.

Eurofins Ntd Llc (ga)
Classification: Uncertain significance. Last evaluated: 2017-09-29. Review status: criteria provided, single submitter. Criteria: EGL Classification Definitions 2015. Collection method: clinical testing. Allele origin: germline. Observed: 9 variant alleles, 9 heterozygotes.

PreventionGenetics, part of Exact Sciences
Classification: Likely benign for SERPINA1-related condition. Last evaluated: 2019-03-14. Review status: no assertion criteria provided. Collection method: clinical testing. Allele origin: germline. Not counted in ClinVar's aggregate classification.
Comment: This variant is classified as likely benign based on ACMG/AMP sequence variant interpretation guidelines (Richards et al. 2015 PMID: 25741868, with internal and published modifications).